The following is an entry in ClinVar:

ClinVar aggregate classification (germline): Uncertain significance. Review status: criteria provided, multiple submitters, no conflicts (2 of 4 stars). 2 submissions from 2 submitters: Uncertain significance (2). Last evaluated 2021-11-23.

Allele frequency attached by ClinVar (database versions not stated): ExAC 0.00001; gnomAD 0.00002 and 0.00003; gnomAD exomes 0.00003 and 0.00004; TOPMed 0.00004.
gnomAD v4.1: 56 of 1,613,912 alleles (0.0035%); highest among the groups gnomAD compares: South Asian, 0.0055%; no homozygotes.

Submissions (2):

Labcorp Genetics (formerly Invitae), Labcorp
Classification: Uncertain significance. Last evaluated: 2021-11-23. Review status: criteria provided, single submitter. Criteria: Invitae Variant Classification Sherloc (09022015). Collection method: clinical testing. Allele origin: germline.
Comment: This sequence change replaces aspartic acid, which is acidic and polar, with tyrosine, which is neutral and polar, at codon 970 of the AEBP1 protein (p.Asp970Tyr). This variant is present in population databases (rs778674166, gnomAD 0.01%). This variant has not been reported in the literature in individuals affected with AEBP1-related conditions. Algorithms developed to predict the effect of missense changes on protein structure and function are either unavailable or do not agree on the potential impact of this missense change (SIFT: "Deleterious"; PolyPhen-2: "Possibly Damaging"; Align-GVGD: "Class C0"). In summary, the available evidence is currently insufficient to determine the role of this variant in disease. Therefore, it has been classified as a Variant of Uncertain Significance.

GeneDx
Classification: Uncertain significance. Last evaluated: 2021-11-11. Review status: criteria provided, single submitter. Criteria: GeneDx Variant Classification Process June 2021. Collection method: clinical testing. Allele origin: germline. Affected: yes.
Comment: Not observed at significant frequency in large population cohorts (gnomAD); In silico analysis supports that this missense variant does not alter protein structure/function; Has not been previously published as pathogenic or benign to our knowledge

NM_001129.5(AEBP1):c.2908G>T (p.Asp970Tyr)

Gene: AEBP1 (AE binding protein 1; plus strand). Cytogenetic location: 7p13.
Variant type: single nucleotide variant.
Coding change: c.2908G>T on transcript NM_001129.5 (MANE Select); coding-DNA position 2908, G replaced by T.
Protein change: p.Asp970Tyr; replaces aspartic acid 970 with tyrosine.
Molecular consequence: missense variant.
Genome position (GRCh38, 1-based): chr7:44,113,692, G>T. VCF-style: chr7-44113692-G-T. GRCh37 (hg19) VCF-style: chr7-44153291-G-T.
Other names: short protein forms D970Y.
Identifiers: ClinVar variation 1400364 (VCV001400364.4), dbSNP rs778674166, ClinGen allele CA4238360.